The following is an entry in ClinVar:

NM_000051.4(ATM):c.6990A>C (p.Leu2330=)

Genes: ATM (ATM serine/threonine kinase; plus strand), C11orf65 (chromosome 11 open reading frame 65; minus strand). Cytogenetic location: 11q22.3.
Variant type: single nucleotide variant.
Coding change: c.6990A>C on transcript NM_000051.4 (MANE Select); coding-DNA position 6990, A replaced by C.
Protein change: p.Leu2330=; no amino-acid change (leucine 2330 retained).
Molecular consequence: synonymous variant. On other transcripts: intron variant (2).
Genome position (GRCh38, 1-based): chr11:108,327,659, A>C. VCF-style: chr11-108327659-A-C. GRCh37 (hg19) VCF-style: chr11-108198386-A-C.
Other names: c.6990A>C, p.Leu2330= (NM_001351834.2); c.641-18588T>G (NM_001330368.2); c.*38+7561T>G (NM_001351110.2).
Identifiers: ClinVar variation 3253894 (VCV003253894.1), dbSNP rs2136373497.
Genomic context (GRCh38, chr11:108,327,659, plus strand): 5'-GTCATGGTAATGCATTATATTTTAAGATTTTGCCTTTCTTATACAGAACAATCCCAGCCT[A>C]AAACTTACATACACAGAATGTCTGAGGGTTTGTGGCAACTGGTTAGCAGAAACGTGCTTA-3'
Protein context (NP_000042.3, residues 2320-2340): DASCAANNPS[Leu2330=]KLTYTECLRV

ClinVar aggregate classification (germline): Benign (1 of 4 stars; one submission).

Conditions:
Familial cancer of breast. Also called: hereditary breast carcinoma; BREAST CANCER, FAMILIAL; Hereditary breast cancer. Identifiers: Orphanet 227535, MedGen C0346153, MONDO:0016419, OMIM 114480. Disease mechanism: loss of function.

Submission:

Myriad Genetics, Inc.
Classification: Benign for Familial cancer of breast. Last evaluated: 2024-06-12. Review status: criteria provided, single submitter. Criteria: Myriad Autosomal Dominant, Autosomal Recessive and X-Linked Classification Criteria (2023). Collection method: clinical testing. Allele origin: unknown.
Comment: This variant is considered benign. This variant is a silent/synonymous amino acid change and it is not expected to impact splicing.